The following is an entry in ClinVar:

ClinVar aggregate classification (germline): Uncertain significance (1 of 4 stars; one submission).

Conditions:
BPTF-related disorder. Also called: BPTF-related condition.

Submission:

PreventionGenetics, part of Exact Sciences
Classification: Uncertain significance for BPTF-related condition. Last evaluated: 2025-08-29. Review status: criteria provided, single submitter. Criteria: ACMG Guidelines, 2015. Collection method: clinical testing. Allele origin: germline.
Comment: The BPTF c.6797C>T variant is predicted to result in the amino acid substitution p.Ala2266Val. To our knowledge, this variant has not been reported in the literature or in a large population database (gnomAD), indicating this variant is rare. At this time, the clinical significance of this variant is uncertain due to the absence of conclusive functional and genetic evidence.

NM_182641.4(BPTF):c.6797C>T (p.Ala2266Val)

Gene: BPTF (bromodomain PHD finger transcription factor; plus strand). Cytogenetic location: 17q24.2.
Variant type: single nucleotide variant.
Coding change: c.6797C>T on transcript NM_182641.4 (MANE Select); coding-DNA position 6797, C replaced by T.
Protein change: p.Ala2266Val; replaces alanine 2266 with valine.
Molecular consequence: missense variant.
Genome position (GRCh38, 1-based): chr17:67,945,505, C>T. VCF-style: chr17-67945505-C-T. GRCh37 (hg19) VCF-style: chr17-65941621-C-T.
Other names: c.6986C>T, p.Ala2329Val (NM_001439139.1, NM_001439143.1, NM_001439144.1); c.7175C>T, p.Ala2392Val (NM_001439140.1, NM_001439142.1, NM_004459.7); c.7148C>T, p.Ala2383Val (NM_001439141.1); short protein forms A2329V, A2392V, A2266V, A2383V.
Identifiers: ClinVar variation 4992399 (VCV004992399.1).